The following is an entry in ClinVar:

ClinVar aggregate classification (germline): Likely benign. Review status: criteria provided, multiple submitters, no conflicts (2 of 4 stars). 3 submissions from 3 submitters: Likely benign (3). Last evaluated 2026-09-01.

Conditions:
Episodic kinesigenic dyskinesia (EKD). Also called: Paroxysmal kinesigenic dyskinesia. Identifiers: Orphanet 98809, MedGen C1868682, MONDO:0044202.

Allele frequency attached by ClinVar (database versions not stated): gnomAD 0.00001; TOPMed 0.00003; gnomAD exomes 0.00006; ExAC 0.00007.

Submissions (3):

CeGaT Center for Human Genetics Tuebingen
Classification: Likely benign. Last evaluated: 2026-09-01. Review status: criteria provided, single submitter. Criteria: CeGaT Center For Human Genetics Tuebingen Variant Classification Criteria Version 2. Collection method: clinical testing. Allele origin: germline. Affected: yes. Observed: 1 variant allele.
Comment: PRRT2: BP4, BP7

Labcorp Genetics (formerly Invitae), Labcorp
Classification: Likely benign for Episodic kinesigenic dyskinesia. Last evaluated: 2025-08-09. Review status: criteria provided, single submitter. Criteria: Invitae Variant Classification Sherloc (09022015). Collection method: clinical testing. Allele origin: germline.

GeneDx
Classification: Likely benign. Last evaluated: 2017-01-24. Review status: criteria provided, single submitter. Criteria: GeneDx Variant Classification (06012015). Collection method: clinical testing. Allele origin: germline. Affected: yes.
Comment: This variant is considered likely benign or benign based on one or more of the following criteria: it is a conservative change, it occurs at a poorly conserved position in the protein, it is predicted to be benign by multiple in silico algorithms, and/or has population frequency not consistent with disease.

NM_145239.3(PRRT2):c.66C>T (p.Gly22=)

Genes: MVP-DT (MVP divergent transcript; minus strand), PRRT2 (proline rich transmembrane protein 2; plus strand). Cytogenetic location: 16p11.2.
Variant type: single nucleotide variant.
Coding change: c.66C>T on transcript NM_145239.3 (MANE Select); coding-DNA position 66, C replaced by T.
Protein change: p.Gly22=; no amino-acid change (glycine 22 retained).
Molecular consequence: synonymous variant.
Genome position (GRCh38, 1-based): chr16:29,813,120, C>T. VCF-style: chr16-29813120-C-T. GRCh37 (hg19) VCF-style: chr16-29824441-C-T.
Other names: c.66C>T, p.Gly22= (NM_001256442.2, NM_001256443.2).
Identifiers: ClinVar variation 468618 (VCV000468618.13), dbSNP rs775756146, ClinGen allele CA7994473.